The following is an entry in ClinVar:

ClinVar aggregate classification (germline): Uncertain significance. Review status: criteria provided, multiple submitters, no conflicts (2 of 4 stars). 4 submissions from 4 submitters: Uncertain significance (4). Last evaluated 2025-07-11.

Conditions:
Lynch syndrome 4 (LYNCH4). Also called: Colorectal cancer, hereditary nonpolyposis, type 4; Hereditary non-polyposis colorectal cancer, type 4. Identifiers: Orphanet 144, MedGen C1838333, MONDO:0013699, OMIM 614337. Disease mechanism: loss of function.
Hereditary cancer-predisposing syndrome. Also called: Hereditary neoplastic syndrome; Neoplastic Syndromes, Hereditary; Tumor predisposition; Hereditary Cancer Syndrome. Identifiers: Orphanet 140162, MedGen C0027672, MeSH D009386, MONDO:0015356.

gnomAD v4.1: 1 of 1,603,320 alleles (0.000062%); highest among the groups gnomAD compares: Non-Finnish European, 0.000085%; no homozygotes.

Submissions (4):

Color Diagnostics, LLC DBA Color Health
Classification: Uncertain significance for Hereditary cancer-predisposing syndrome. Last evaluated: 2025-07-11. Review status: criteria provided, single submitter. Criteria: ACMG Guidelines, 2015. Collection method: clinical testing. Allele origin: germline.
Comment: This missense variant replaces threonine with lysine at codon 703 of the PMS2 protein. Computational prediction is inconclusive regarding the impact of this variant on protein structure and function. To our knowledge, functional studies have not been reported for this variant. This variant has not been reported in individuals affected with PMS2-related disorders in the literature. This variant has not been identified in the general population by the Genome Aggregation Database (gnomAD). The available evidence is insufficient to determine the role of this variant in disease conclusively. Therefore, this variant is classified as a Variant of Uncertain Significance.

Molecular Pathology, Peter Maccallum Cancer Centre
Classification: Uncertain significance for Lynch syndrome 4. Last evaluated: 2024-05-30. Review status: criteria provided, single submitter. Criteria: ACMG Guidelines, 2015. Collection method: clinical testing. Allele origin: germline. Inheritance: Autosomal dominant inheritance.

GeneDx
Classification: Uncertain significance. Last evaluated: 2016-09-19. Review status: criteria provided, single submitter. Criteria: GeneDx Variant Classification (06012015). Collection method: clinical testing. Allele origin: germline. Affected: yes.
Comment: This variant is denoted PMS2 c.2108C>A at the cDNA level, p.Thr703Lys (T703K) at the protein level, and results in the change of a Threonine to a Lysine (ACG>AAG). This variant has not, to our knowledge, been published in the literature as pathogenic or benign. PMS2 Thr703Lys was not observed in approximately 6,500 individuals of European and African American ancestry in the NHLBI Exome Sequencing Project, suggesting it is not a common benign variant in these populations. Since Threonine and Lysine differ in some properties, this is considered a semi-conservative amino acid substitution. PMS2 Thr703Lys occurs at a position that is not conserved and is located within the nuclease domain (Guarne 2001). In silico analyses predict that this variant is probably damaging to protein structure and function. Based on currently available evidence, it is unclear whether PMS2 Thr703Lys is a pathogenic or benign variant. We consider it to be a variant of uncertain significance.

Ambry Genetics
Classification: Uncertain significance for Hereditary cancer-predisposing syndrome. Last evaluated: 2016-07-19. Review status: criteria provided, single submitter. Criteria: Ambry Variant Classification Scheme 2023. Collection method: clinical testing. Allele origin: germline.
Comment: The p.T703K variant (also known as c.2108C>A), located in coding exon 12 of the PMS2 gene, results from a C to A substitution at nucleotide position 2108. The threonine at codon 703 is replaced by lysine, an amino acid with similar properties. This variant was not reported in population based cohorts in the following databases: Database of Single Nucleotide Polymorphisms (dbSNP), NHLBI Exome Sequencing Project (ESP), and 1000 Genomes Project. In the ESP, this variant was not observed in 6475 samples (12950 alleles) with coverage at this position. To date, this alteration has been detected with an allele frequency of approximately 0.001% (greater than 150000 alleles tested) in our clinical cohort. This amino acid position is not well conserved in available vertebrate species. In addition, the in silico prediction for this alteration is inconclusive. Since supporting evidence is limited at this time, the clinical significance of this alteration remains unclear.

NM_000535.7(PMS2):c.2108C>A (p.Thr703Lys)

Gene: PMS2 (PMS1 homolog 2, mismatch repair system component; minus strand). Cytogenetic location: 7p22.1.
Variant type: single nucleotide variant.
Coding change: c.2108C>A on transcript NM_000535.7 (MANE Select); coding-DNA position 2108, C replaced by A.
Protein change: p.Thr703Lys; replaces threonine 703 with lysine.
Molecular consequence: missense variant. On other transcripts: non-coding transcript variant (1).
Genome position (GRCh38, 1-based): chr7:5,982,890, G>T on the plus strand (C>A on the coding strand, the complement: PMS2 is on the minus strand). VCF-style: chr7-5982890-G-T. GRCh37 (hg19) VCF-style: chr7-6022521-G-T.
Other names: c.1703C>A, p.Thr568Lys (NM_001322003.2, NM_001322004.2, NM_001322005.2 and 1 more transcripts); c.1952C>A, p.Thr651Lys (NM_001322006.2); c.1790C>A, p.Thr597Lys (NM_001322007.2, NM_001322008.2); c.1547C>A, p.Thr516Lys (NM_001322010.2); c.1175C>A, p.Thr392Lys (NM_001322011.2, NM_001322012.2); c.1535C>A, p.Thr512Lys (NM_001322013.2); c.2108C>A, p.Thr703Lys (NM_001322014.2); c.1799C>A, p.Thr600Lys (NM_001322015.2); short protein forms T703K, T516K, T568K, T600K, T392K, T512K, T651K, T597K.
Identifiers: ClinVar variation 422283 (VCV000422283.6), dbSNP rs370196722, ClinGen allele CA16618491.